The following is an entry in ClinVar:

NM_000312.4(PROC):c.1005G>C (p.Gln335His)

Gene: PROC (protein C, inactivator of coagulation factors Va and VIIIa; plus strand). Cytogenetic location: 2q14.3.
Variant type: single nucleotide variant.
Coding change: c.1005G>C on transcript NM_000312.4 (MANE Select); coding-DNA position 1005, G replaced by C.
Protein change: p.Gln335His; replaces glutamine 335 with histidine.
Molecular consequence: missense variant.
Genome position (GRCh38, 1-based): chr2:127,428,565, G>C. VCF-style: chr2-127428565-G-C. GRCh37 (hg19) VCF-style: chr2-128186141-G-C.
Other names: c.1188G>C, p.Gln396His (NM_001375602.1); c.1170G>C, p.Gln390His (NM_001375603.1); c.1068G>C, p.Gln356His (NM_001375604.1); c.1107G>C, p.Gln369His (NM_001375605.1); c.1173G>C, p.Gln391His (NM_001375606.1); c.1191G>C, p.Gln397His (NM_001375607.1); c.948G>C, p.Gln316His (NM_001375608.1); c.981G>C, p.Gln327His (NM_001375609.1); and 2 more; short protein forms Q316H, Q327H, Q333H, Q335H, Q356H, Q369H, Q390H, Q391H.
Identifiers: ClinVar variation 2683972 (VCV002683972.2), dbSNP rs1247902323, ClinGen allele CA348405376.

ClinVar aggregate classification (germline): Conflicting classifications of pathogenicity. Review status: criteria provided, conflicting classifications (1 of 4 stars). 2 submissions from 2 submitters: Likely pathogenic (1); Uncertain significance (1). Last evaluated 2025-03-18.

Conditions:
Thrombophilia due to protein C deficiency, autosomal dominant. Also called: PROC DEFICIENCY, AUTOSOMAL DOMINANT; PROTEIN C DEFICIENCY, AUTOSOMAL DOMINANT. Identifiers: Orphanet 745, MedGen C2674321, MONDO:0008316, OMIM 176860. Disease mechanism: loss of function.

Allele frequency attached by ClinVar (database versions not stated): gnomAD 0.00001; TOPMed 0.00001.
gnomAD v4.1: 6 of 1,613,778 alleles (0.00037%); highest among the groups gnomAD compares: South Asian, 0.0011%; no homozygotes.

Submissions (2):

Labcorp Genetics (formerly Invitae), Labcorp
Classification: Uncertain significance for Thrombophilia due to protein C deficiency, autosomal dominant. Last evaluated: 2025-03-18. Review status: criteria provided, single submitter. Criteria: Invitae Variant Classification Sherloc (09022015). Collection method: clinical testing. Allele origin: germline.
Comment: This sequence change replaces glutamine, which is neutral and polar, with histidine, which is basic and polar, at codon 335 of the PROC protein (p.Gln335His). The frequency data for this variant in the population databases is considered unreliable, as metrics indicate poor data quality at this position in the gnomAD database. This missense change has been observed in individual(s) with protein C deficiency (PMID: 7670104). ClinVar contains an entry for this variant (Variation ID: 2683972). Invitae Evidence Modeling of protein sequence and biophysical properties (such as structural, functional, and spatial information, amino acid conservation, physicochemical variation, residue mobility, and thermodynamic stability) has been performed for this missense variant. However, the output from this modeling did not meet the statistical confidence thresholds required to predict the impact of this variant on PROC protein function. In summary, the available evidence is currently insufficient to determine the role of this variant in disease. Therefore, it has been classified as a Variant of Uncertain Significance.

MVZ Martinsried, Medicover Genetics
Classification: Likely pathogenic for Thrombophilia due to protein C deficiency, autosomal dominant. Last evaluated: 2023-06-23. Review status: criteria provided, single submitter. Criteria: ACGS Guidelines, 2020. Collection method: clinical testing. Allele origin: unknown. Affected: yes.

Literature cited by the submitters: PubMed 7670104 (cited by Labcorp Genetics (formerly Invitae), Labcorp).